The following is an entry in ClinVar:

NM_170601.5(SIAE):c.656G>T (p.Gly219Val)

Gene: SIAE (sialic acid acetylesterase; minus strand). Cytogenetic location: 11q24.2.
Variant type: single nucleotide variant.
Coding change: c.656G>T on transcript NM_170601.5 (MANE Select); coding-DNA position 656, G replaced by T.
Protein change: p.Gly219Val; replaces glycine 219 with valine.
Molecular consequence: missense variant.
Genome position (GRCh38, 1-based): chr11:124,649,685, C>A on the plus strand (G>T on the coding strand, the complement: SIAE is on the minus strand). VCF-style: chr11-124649685-C-A. GRCh37 (hg19) VCF-style: chr11-124519581-C-A.
Other names: c.551G>T, p.Gly184Val (NM_001199922.2); short protein forms G219V, G184V.
Identifiers: ClinVar variation 4768088 (VCV004768088.1).

ClinVar aggregate classification (germline): Uncertain significance (1 of 4 stars; one submission).

Submission:

Labcorp Genetics (formerly Invitae), Labcorp
Classification: Uncertain significance. Last evaluated: 2025-11-24. Review status: criteria provided, single submitter. Criteria: Invitae Variant Classification Sherloc (09022015). Collection method: clinical testing. Allele origin: germline.
Comment: This sequence change replaces glycine, which is neutral and non-polar, with valine, which is neutral and non-polar, at codon 219 of the SIAE protein (p.Gly219Val). This variant is not present in population databases (gnomAD no frequency). This variant has not been reported in the literature in individuals affected with SIAE-related conditions. An algorithm developed to predict the effect of missense changes on protein structure and function (PolyPhen-2) suggests that this variant is likely to be disruptive. In summary, the available evidence is currently insufficient to determine the role of this variant in disease. Therefore, it has been classified as a Variant of Uncertain Significance.